The following is an entry in ClinVar:

GRCh37/hg19 11p15.5-15.4(chr11:230615-8821443)x3

Genes: APBB1 (amyloid beta precursor protein binding family B member 1; minus strand), ARFIP2 (ARF interacting protein 2; minus strand), ASCL2 (achaete-scute family bHLH transcription factor 2; minus strand), B4GALNT4 (beta-1,4-N-acetyl-galactosaminyltransferase 4; plus strand), CCKBR (cholecystokinin B receptor; plus strand) and 207 more. Cytogenetic location: 11p15.5-15.4.
Variant type: copy number gain.
Change: copy number 3 (three copies instead of two) of chr11:230,615-8,821,443 (8.59 Mb, GRCh37 coordinates, 1-based), cytogenetic band 11p15.5-15.4.
Identifiers: ClinVar variation 2503522 (VCV002503522.2).

ClinVar aggregate classification (germline): Pathogenic (1 of 4 stars; one submission).

Conditions:
Russell-Silver syndrome. Identifiers: Orphanet 813, MedGen C0175693, MONDO:0008394.

Submission:

Genetics Section, Pontificia Universidad Catolica De Chile
Classification: Pathogenic for Russell-Silver syndrome. Last evaluated: 2023-05-25. Review status: criteria provided, single submitter. Criteria: ACMG/ClinGen CNV Guidelines, 2019. Collection method: clinical testing. Allele origin: maternal. Inheritance: Sporadic. Affected: yes. Observed: 1 heterozygote.